The following is an entry in ClinVar:

NM_020184.4(CNNM4):c.280del (p.Thr94fs)

Gene: CNNM4 (cyclin and CBS domain divalent metal cation transport mediator 4; plus strand). Cytogenetic location: 2q11.2.
Variant type: Deletion.
Coding change: c.280del on transcript NM_020184.4 (MANE Select); coding-DNA position 280, one base deleted (A; older notation c.280delA).
Protein change: p.Thr94fs; shifts the reading frame from threonine 94.
Molecular consequence: frameshift variant.
Genome position (GRCh38, 1-based): chr2:96,761,279, A deleted. VCF-style (leftmost placement, unchanged base first): chr2-96761278-CA-C. GRCh37 (hg19) VCF-style: chr2-97427015-CA-C.
Other names: short protein forms T94fs.
Identifiers: ClinVar variation 959349 (VCV000959349.7), dbSNP rs2078758805, ClinGen allele CA1139657162.

ClinVar aggregate classification (germline): Pathogenic (1 of 4 stars; one submission).

Submission:

Labcorp Genetics (formerly Invitae), Labcorp
Classification: Pathogenic. Last evaluated: 2022-07-12. Review status: criteria provided, single submitter. Criteria: Invitae Variant Classification Sherloc (09022015). Collection method: clinical testing. Allele origin: germline.
Comment: ClinVar contains an entry for this variant (Variation ID: 959349). For these reasons, this variant has been classified as Pathogenic. This variant has not been reported in the literature in individuals affected with CNNM4-related conditions. This variant is not present in population databases (gnomAD no frequency). This sequence change creates a premature translational stop signal (p.Thr94Profs*30) in the CNNM4 gene. It is expected to result in an absent or disrupted protein product. Loss-of-function variants in CNNM4 are known to be pathogenic (PMID: 19200525).

Literature cited by the submitters: PubMed 19200525.